The following is an entry in ClinVar:

NM_152383.5(DIS3L2):c.544A>G (p.Thr182Ala)

Gene: DIS3L2 (DIS3 like 3'-5' exoribonuclease 2; plus strand). Cytogenetic location: 2q37.1.
Variant type: single nucleotide variant.
Coding change: c.544A>G on transcript NM_152383.5 (MANE Select); coding-DNA position 544, A replaced by G.
Protein change: p.Thr182Ala; replaces threonine 182 with alanine.
Molecular consequence: missense variant. On other transcripts: non-coding transcript variant (2).
Genome position (GRCh38, 1-based): chr2:232,087,664, A>G. VCF-style: chr2-232087664-A-G. GRCh37 (hg19) VCF-style: chr2-232952374-A-G.
Other names: c.544A>G, p.Thr182Ala (NM_001257281.2, NM_001257282.2); short protein forms T182A.
Identifiers: ClinVar variation 839916 (VCV000839916.7), dbSNP rs1432779485, ClinGen allele CA351155213.

ClinVar aggregate classification (germline): Uncertain significance (1 of 4 stars; one submission).

Conditions:
Perlman syndrome (PRLMNS). Identifiers: Orphanet 2849, MedGen C0796113, MONDO:0009965, OMIM 267000.

Allele frequency attached by ClinVar (database versions not stated): TOPMed 0.00001.

Submission:

Labcorp Genetics (formerly Invitae), Labcorp
Classification: Uncertain significance for Perlman syndrome. Last evaluated: 2021-10-07. Review status: criteria provided, single submitter. Criteria: Invitae Variant Classification Sherloc (09022015). Collection method: clinical testing. Allele origin: germline.
Comment: In summary, the available evidence is currently insufficient to determine the role of this variant in disease. Therefore, it has been classified as a Variant of Uncertain Significance. Algorithms developed to predict the effect of missense changes on protein structure and function output the following: SIFT: "Tolerated"; PolyPhen-2: "Benign"; Align-GVGD: "Class C0". The alanine amino acid residue is found in multiple mammalian species, which suggests that this missense change does not adversely affect protein function. This variant has not been reported in the literature in individuals affected with DIS3L2-related conditions. This variant is not present in population databases (ExAC no frequency). This sequence change replaces threonine with alanine at codon 182 of the DIS3L2 protein (p.Thr182Ala). The threonine residue is weakly conserved and there is a small physicochemical difference between threonine and alanine.